The following is an entry in ClinVar:

NM_001164508.2(NEB):c.15073G>A (p.Asp5025Asn)

Gene: NEB (nebulin; minus strand). Cytogenetic location: 2q23.3.
Variant type: single nucleotide variant.
Coding change: c.15073G>A on transcript NM_001164508.2 (MANE Select); coding-DNA position 15073, G replaced by A.
Protein change: p.Asp5025Asn; replaces aspartic acid 5025 with asparagine.
Molecular consequence: missense variant. On other transcripts: intron variant (1).
Genome position (GRCh38, 1-based): chr2:151,590,062, C>T on the plus strand (G>A on the coding strand, the complement: NEB is on the minus strand). VCF-style: chr2-151590062-C-T. GRCh37 (hg19) VCF-style: chr2-152446576-C-T.
Other names: c.15073G>A, p.Asp5025Asn (NM_001164507.2, NM_001271208.2); c.11602-13708G>A (NM_004543.5); short protein forms D5025N.
Identifiers: ClinVar variation 669093 (VCV000669093.1), dbSNP rs1578587703, ClinGen allele CA348761226.

ClinVar aggregate classification (germline): Likely benign (1 of 4 stars; one submission).

Submission:

GeneDx
Classification: Likely benign. Last evaluated: 2018-05-24. Review status: criteria provided, single submitter. Criteria: GeneDx Variant Classification (06012015). Collection method: clinical testing. Allele origin: germline. Affected: yes.
Comment: This variant is considered likely benign or benign based on one or more of the following criteria: it is a conservative change, it occurs at a poorly conserved position in the protein, it is predicted to be benign by multiple in silico algorithms, and/or has population frequency not consistent with disease.